The following is an entry in ClinVar:

NM_001330260.2(SCN8A):c.4320G>T (p.Met1440Ile)

Gene: SCN8A (sodium voltage-gated channel alpha subunit 8; plus strand). Cytogenetic location: 12q13.13.
Variant type: single nucleotide variant.
Coding change: c.4320G>T on transcript NM_001330260.2 (MANE Select); coding-DNA position 4320, G replaced by T.
Protein change: p.Met1440Ile; replaces methionine 1440 with isoleucine.
Molecular consequence: missense variant.
Genome position (GRCh38, 1-based): chr12:51,789,319, G>T. VCF-style: chr12-51789319-G-T. GRCh37 (hg19) VCF-style: chr12-52183103-G-T.
Other names: c.4197G>T, p.Met1399Ile (NM_001177984.3, NM_001369788.1); c.4320G>T, p.Met1440Ile (NM_014191.4); short protein forms M1399I, M1440I.
Identifiers: ClinVar variation 1806752 (VCV001806752.1), dbSNP rs2540306853, ClinGen allele CA384908175.

ClinVar aggregate classification (germline): Uncertain significance (1 of 4 stars; one submission).

Submission:

GeneDx
Classification: Uncertain significance. Last evaluated: 2022-06-22. Review status: criteria provided, single submitter. Criteria: GeneDx Variant Classification Process June 2021. Collection method: clinical testing. Allele origin: germline. Affected: yes.
Comment: Not observed at significant frequency in large population cohorts (gnomAD); Missense variants in this gene are often considered pathogenic (HGMD); In silico analysis supports that this missense variant has a deleterious effect on protein structure/function; This substitution is predicted to be within the transmembrane segment S6 of the third homologous domain; Has not been previously published as pathogenic or benign to our knowledge